The following is an entry in ClinVar:

NM_175914.5(HNF4A):c.128A>G (p.Asp43Gly)

Gene: HNF4A (hepatocyte nuclear factor 4 alpha; plus strand). Cytogenetic location: 20q13.12.
Variant type: single nucleotide variant.
Coding change: c.128A>G on transcript NM_175914.5 (MANE Select); coding-DNA position 128, A replaced by G.
Protein change: p.Asp43Gly; replaces aspartic acid 43 with glycine.
Molecular consequence: missense variant.
Genome position (GRCh38, 1-based): chr20:44,406,136, A>G. VCF-style: chr20-44406136-A-G. GRCh37 (hg19) VCF-style: chr20-43034776-A-G.
Other names: p.Asp65Gly; c.194A>G, p.Asp65Gly (NM_000457.6, NM_178849.3, NM_178850.3); c.128A>G, p.Asp43Gly (NM_001030003.3, NM_001030004.3); c.173A>G, p.Asp58Gly (NM_001258355.2); c.119A>G, p.Asp40Gly (NM_001287182.2, NM_001287183.2, NM_001287184.2); short protein forms D40G, D43G, D58G, D65G.
Identifiers: ClinVar variation 2504080 (VCV002504080.2), dbSNP rs1600707598, ClinGen allele CA409103814.

ClinVar aggregate classification (germline): Uncertain significance (1 of 4 stars; one submission).

Conditions:
Maturity-onset diabetes of the young type 1. Also called: MILD JUVENILE DIABETES MELLITUS; MODY type 1; Diabetes mellitus MODY type 1; MODY HNF4A related; HNF4A-Related Maturity-Onset Diabetes of the Young Type 1; MODY, type I. Identifiers: Orphanet 552, MedGen C1852093, MONDO:0007452, OMIM 125850. Disease mechanism: loss of function.

Submission:

Foundation for Research in Genetics and Endocrinology, FRIGE's Institute of Human Genetics
Classification: Uncertain significance for Maturity-onset diabetes of the young type 1. Last evaluated: 2023-05-31. Review status: criteria provided, single submitter. Criteria: ACMG Guidelines, 2015. Collection method: clinical testing. Allele origin: germline. Inheritance: Autosomal dominant inheritance. Affected: yes. Observed: 1 heterozygote.
Comment: A heterozygous missense variant in exon 2 of the HNF4A gene that results in the amino acid substitution of Glycine for Aspartic acid at codon 65 (p.Asp65Gly) was detected. The p.Asp65Gly variant has not been reported in the 1000 genomes, gnomAD (v3.1), gnomdAD (v2) and topmed databases. The in silico predictions of the variant are probably damaging by PolyPhen-2 (HumDiv) and damaging by SIFT, LRT and MutationTaster2. The reference codon is conserved across species. In summary, the variant meets our criteria to be classified as a variant of uncertain significance.